The following is an entry in ClinVar:

ClinVar aggregate classification (germline): Uncertain significance (1 of 4 stars; one submission).

Conditions:
Hereditary cancer-predisposing syndrome. Also called: Tumor predisposition; Hereditary Cancer Syndrome; Hereditary neoplastic syndrome; Neoplastic Syndromes, Hereditary. Identifiers: Orphanet 140162, MedGen C0027672, MeSH D009386, MONDO:0015356.

gnomAD v4.1: 1 of 1,614,162 alleles (0.000062%); no homozygotes.

Submission:

Ambry Genetics
Classification: Uncertain significance for Hereditary cancer-predisposing syndrome. Last evaluated: 2023-08-10. Review status: criteria provided, single submitter. Criteria: Ambry Variant Classification Scheme 2023. Collection method: clinical testing. Allele origin: germline.
Comment: The p.V1096L variant (also known as c.3286G>C), located in coding exon 14 of the MET gene, results from a G to C substitution at nucleotide position 3286. The valine at codon 1096 is replaced by leucine, an amino acid with highly similar properties. This amino acid position is well conserved in available vertebrate species. In addition, this alteration is predicted to be tolerated by in silico analysis. Since supporting evidence is limited at this time, the clinical significance of this alteration remains unclear.

NM_000245.4(MET):c.3232G>C (p.Val1078Leu)

Gene: MET (MET proto-oncogene, receptor tyrosine kinase; plus strand). Cytogenetic location: 7q31.2.
Variant type: single nucleotide variant.
Coding change: c.3232G>C on transcript NM_000245.4 (MANE Select); coding-DNA position 3232, G replaced by C.
Protein change: p.Val1078Leu; replaces valine 1078 with leucine.
Molecular consequence: missense variant.
Genome position (GRCh38, 1-based): chr7:116,775,084, G>C. VCF-style: chr7-116775084-G-C. GRCh37 (hg19) VCF-style: chr7-116415138-G-C.
Other names: c.3286G>C, p.Val1096Leu (NM_001127500.3); c.1942G>C, p.Val648Leu (NM_001324402.2); short protein forms V648L, V1078L, V1096L.
Identifiers: ClinVar variation 2587483 (VCV002587483.2), dbSNP rs1479922279, ClinGen allele CA368988749.